The following is an entry in ClinVar:

ClinVar aggregate classification (germline): Benign (1 of 4 stars; one submission).

Submission:

GeneDx
Classification: Benign. Last evaluated: 2018-06-14. Review status: criteria provided, single submitter. Criteria: GeneDx Variant Classification (06012015). Collection method: clinical testing. Allele origin: germline. Affected: yes.
Comment: This variant is considered likely benign or benign based on one or more of the following criteria: it is a conservative change, it occurs at a poorly conserved position in the protein, it is predicted to be benign by multiple in silico algorithms, and/or has population frequency not consistent with disease.

NM_032119.4(ADGRV1):c.3290-216TC[3]

Gene: ADGRV1 (adhesion G protein-coupled receptor V1; plus strand). Cytogenetic location: 5q14.3.
Variant type: Microsatellite.
Coding change: c.3290-216TC[3] on transcript NM_032119.4 (MANE Select); three copies in a row of the 2-base unit TC starting at c.3290-216.
Molecular consequence: intron variant.
Genome position: GRCh38 VCF-style: chr5-90651387-TTCTC-T. GRCh37 (hg19) VCF-style: chr5-89947204-TTCTC-T.
Identifiers: ClinVar variation 678820 (VCV000678820.1), dbSNP rs5869511, ClinGen allele CA121837571.
Genomic context (GRCh38, chr5:90,651,387, plus strand): 5'-TCATTTGTAACTAAAAAAAATGGGAACTATTTCATCTTGAAATTATGTAGGCATCTCTCT[TTCTC>T]TCTCTCTTTGTATGTATGTTTGTACTTATGTGTGTATACATAAACATCTTTGGAAATATG-3'